The following is an entry in ClinVar:

ClinVar aggregate classification (germline): Uncertain significance (1 of 4 stars; one submission).

Conditions:
Hereditary spastic paraplegia 51. Also called: CEREBRAL PALSY, SPASTIC QUADRIPLEGIC, 4; Spastic paraplegia 51, autosomal recessive. Identifiers: Orphanet 280763, MedGen C3151056, MONDO:0013401, OMIM 613744.

Submission:

Baylor Genetics
Classification: Uncertain significance for Hereditary spastic paraplegia 51. Last evaluated: 2020-06-10. Review status: criteria provided, single submitter. Criteria: ACMG Guidelines, 2015. Collection method: clinical testing. Allele origin: unknown. Affected: yes.
Comment: This variant was determined to be of uncertain significance according to ACMG Guidelines, 2015 [PMID:25741868].

NM_007347.5(AP4E1):c.326A>G (p.Asn109Ser)

Gene: AP4E1 (adaptor related protein complex 4 subunit epsilon 1; plus strand). Cytogenetic location: 15q21.2.
Variant type: single nucleotide variant.
Coding change: c.326A>G on transcript NM_007347.5 (MANE Select); coding-DNA position 326, A replaced by G.
Protein change: p.Asn109Ser; replaces asparagine 109 with serine.
Molecular consequence: missense variant.
Genome position (GRCh38, 1-based): chr15:50,915,551, A>G. VCF-style: chr15-50915551-A-G. GRCh37 (hg19) VCF-style: chr15-51207748-A-G.
Other names: c.101A>G, p.Asn34Ser (NM_001252127.2); short protein forms N109S, N34S.
Identifiers: ClinVar variation 1029158 (VCV001029158.1), dbSNP rs2063619601, ClinGen allele CA392412870.
Genomic context (GRCh38, chr15:50,915,551, plus strand): 5'-TGCTTGGATATGATGCTTCCTTTGGCTATATTCATGCAATCAAGTTAGCCCAACAAGGAA[A>G]CCTCTTAGAAAAAAGAGTAGGTATGTATGTGTTTTAAGACTTTGATGCTTTCATGTTGTC-3'
Protein context (NP_031373.2, residues 99-119): IHAIKLAQQG[Asn109Ser]LLEKRVGYLA